The following is an entry in ClinVar:

ClinVar aggregate classification (germline): Uncertain significance. Review status: criteria provided, multiple submitters, no conflicts (2 of 4 stars). 2 submissions from 2 submitters: Uncertain significance (2). Last evaluated 2025-01-23.

Conditions:
Inborn genetic diseases. Identifiers: MedGen C0950123, MeSH D030342.

Allele frequency attached by ClinVar (database versions not stated): gnomAD exomes 0.00001; gnomAD 0.00002.
gnomAD v4.1: 13 of 1,512,500 alleles (0.00086%); highest among the groups gnomAD compares: African/African-American, 0.0044%; no homozygotes.

Submissions (2):

Ambry Genetics
Classification: Uncertain significance for Inborn genetic diseases. Last evaluated: 2025-01-23. Review status: criteria provided, single submitter. Criteria: Ambry Variant Classification Scheme 2023. Collection method: clinical testing. Allele origin: germline.

GeneDx
Classification: Uncertain significance. Last evaluated: 2016-04-06. Review status: criteria provided, single submitter. Criteria: GeneDx Variant Classification (06012015). Collection method: clinical testing. Allele origin: germline. Affected: yes.
Comment: The Q64P variant in the ADCY5 gene has not been reported previously as a pathogenic variant, nor as a benign variant, to our knowledge. The Q64P variant was not observed in approximately 4,900 individuals of European and African American ancestry in the NHLBI Exome Sequencing Project, indicating it is not a common benign variant in these populations. The Q64P variant is a non-conservative amino acid substitution, which is likely to impact secondary protein structure as these residues differ in polarity, charge, size and/or other properties. This substitution occurs at a position that is not conserved. In silico analysis is inconsistent in its predictions as to whether or not the variant is damaging to the protein structure/function. We interpret Q64P as a variant of uncertain significance.

NM_183357.3(ADCY5):c.191A>C (p.Gln64Pro)

Gene: ADCY5 (adenylate cyclase 5; minus strand). Cytogenetic location: 3q21.1.
Variant type: single nucleotide variant.
Coding change: c.191A>C on transcript NM_183357.3 (MANE Select); coding-DNA position 191, A replaced by C.
Protein change: p.Gln64Pro; replaces glutamine 64 with proline.
Molecular consequence: missense variant.
Genome position (GRCh38, 1-based): chr3:123,448,355, T>G on the plus strand (A>C on the coding strand, the complement: ADCY5 is on the minus strand). VCF-style: chr3-123448355-T-G. GRCh37 (hg19) VCF-style: chr3-123167202-T-G.
Other names: c.191A>C, p.Gln64Pro (NM_001378259.1); short protein forms Q64P.
Identifiers: ClinVar variation 385461 (VCV000385461.3), dbSNP rs1010098398, ClinGen allele CA16604438.
Genomic context (GRCh38, chr3:123,448,355, plus strand): 5'-CTCAGCGGAGGATCGTCGTCGTCGTCGCTGCGCCAGCGGCTGGCCAGGCGCTGCTGCTGC[T>G]GCGGGGTCACCGCCCCCCCGGGTTTCTTGGTGGAGCCGCGGGCAGAGCCCCCGGGGGCAT-3'
Protein context (NP_899200.1, residues 54-74): TKKPGGAVTP[Gln64Pro]QQQRLASRWR